The following is an entry in ClinVar:

NM_016111.4(TELO2):c.1465C>G (p.Leu489Val)

Gene: TELO2 (telomere maintenance 2; plus strand). Cytogenetic location: 16p13.3.
Variant type: single nucleotide variant.
Coding change: c.1465C>G on transcript NM_016111.4 (MANE Select); coding-DNA position 1465, C replaced by G.
Protein change: p.Leu489Val; replaces leucine 489 with valine.
Molecular consequence: missense variant.
Genome position (GRCh38, 1-based): chr16:1,501,766, C>G. VCF-style: chr16-1501766-C-G. GRCh37 (hg19) VCF-style: chr16-1551767-C-G.
Other names: c.1465C>G, p.Leu489Val (NM_001351846.2); short protein forms L489V.
Identifiers: ClinVar variation 2399530 (VCV002399530.5), dbSNP rs150984539, ClinGen allele CA7812148.
Genomic context (GRCh38, chr16:1,501,766, plus strand): 5'-CCCGCAGAGATCGTGGATGGCGGCGTCCCCCAAGCACAGCTGGCGGGCTCTGACTCGGAC[C>G]TGGACAGGTAGGGGCTCTGCCACCCCAGTGGGCAGCGTGCAGGAGGCCGGGAGGCGAACC-3'
Protein context (NP_057195.2, residues 479-499): QAQLAGSDSD[Leu489Val]DSDDEFVPYD

ClinVar aggregate classification (germline): Uncertain significance. Review status: criteria provided, multiple submitters, no conflicts (2 of 4 stars). 2 submissions from 2 submitters: Uncertain significance (2). Last evaluated 2023-10-05.

Conditions:
Inborn genetic diseases. Identifiers: MedGen C0950123, MeSH D030342.

Allele frequency attached by ClinVar (database versions not stated): gnomAD 0.00002; TOPMed 0.00002; ExAC 0.00003; gnomAD exomes 0.00009; ESP Exome Variant Server 0.00015.
gnomAD v4.1: 128 of 1,608,522 alleles (0.008%); highest among the groups gnomAD compares: Non-Finnish European, 0.011%; no homozygotes.

Submissions (2):

Labcorp Genetics (formerly Invitae), Labcorp
Classification: Uncertain significance. Last evaluated: 2023-10-05. Review status: criteria provided, single submitter. Criteria: Invitae Variant Classification Sherloc (09022015). Collection method: clinical testing. Allele origin: germline.
Comment: This sequence change replaces leucine, which is neutral and non-polar, with valine, which is neutral and non-polar, at codon 489 of the TELO2 protein (p.Leu489Val). This variant is present in population databases (rs150984539, gnomAD 0.008%). This variant has not been reported in the literature in individuals affected with TELO2-related conditions. ClinVar contains an entry for this variant (Variation ID: 2399530). Advanced modeling of protein sequence and biophysical properties (such as structural, functional, and spatial information, amino acid conservation, physicochemical variation, residue mobility, and thermodynamic stability) performed at Invitae indicates that this missense variant is not expected to disrupt TELO2 protein function. In summary, the available evidence is currently insufficient to determine the role of this variant in disease. Therefore, it has been classified as a Variant of Uncertain Significance.

Ambry Genetics
Classification: Uncertain significance for Inborn genetic diseases. Last evaluated: 2022-04-13. Review status: criteria provided, single submitter. Criteria: Ambry Variant Classification Scheme 2023. Collection method: clinical testing. Allele origin: germline.